The following is an entry in ClinVar:

ClinVar aggregate classification (germline): Benign. Review status: criteria provided, multiple submitters, no conflicts (2 of 4 stars). 2 submissions from 2 submitters: Benign (2). Last evaluated 2018-06-15.

Allele frequency attached by ClinVar (database versions not stated): 1000 Genomes Project 0.26597; 1000 Genomes Project 30x 0.27405; TOPMed 0.30097; gnomAD 0.30248 and 0.30854.
gnomAD v4.1: 45,640 of 151,504 alleles (30%); highest among the groups gnomAD compares: African/African-American, 46%; 7,643 homozygotes.

Submissions (2):

GeneDx
Classification: Benign. Last evaluated: 2018-06-15. Review status: criteria provided, single submitter. Criteria: GeneDx Variant Classification (06012015). Collection method: clinical testing. Allele origin: germline. Affected: yes.
Comment: This variant is considered likely benign or benign based on one or more of the following criteria: it is a conservative change, it occurs at a poorly conserved position in the protein, it is predicted to be benign by multiple in silico algorithms, and/or has population frequency not consistent with disease.

Breakthrough Genomics
Classification: Benign. Review status: criteria provided, single submitter. Criteria: ACMG Guidelines, 2015. Collection method: not provided. Allele origin: germline. Inheritance: Autosomal dominant inheritance. Affected: yes.

NM_001386795.1(DTNA):c.1002-2486C>T

Gene: DTNA (dystrobrevin alpha; plus strand). Cytogenetic location: 18q12.1.
Variant type: single nucleotide variant.
Coding change: c.1002-2486C>T on transcript NM_001386795.1 (MANE Select); 2486 bases into the intron before coding-DNA position 1002, C replaced by T.
Molecular consequence: intron variant.
Genome position (GRCh38, 1-based): chr18:34,825,107, C>T. VCF-style: chr18-34825107-C-T. GRCh37 (hg19) VCF-style: chr18-32405071-C-T.
Other names: c.1002-160C>T (NM_032975.4, NM_001386761.1, NM_001386762.1 and 5 more transcripts); c.1002-2486C>T (NM_001386754.1, NM_001386755.1, NM_001386760.1 and 26 more transcripts); c.603+12994C>T (NM_001198945.2); c.252-2486C>T (NM_001198943.1); c.48-2486C>T (NM_001198942.1, NM_001198944.1, NM_032980.4 and 1 more transcripts).
Identifiers: ClinVar variation 672650 (VCV000672650.2), dbSNP rs1626394, ClinGen allele CA15917948.